The following is an entry in ClinVar:

NM_006901.4(MYO9A):c.150A>C (p.Ile50=)

Gene: MYO9A (myosin IXA; minus strand). Cytogenetic location: 15q23.
Variant type: single nucleotide variant.
Coding change: c.150A>C on transcript NM_006901.4 (MANE Select); coding-DNA position 150, A replaced by C.
Protein change: p.Ile50=; no amino-acid change (isoleucine 50 retained).
Molecular consequence: synonymous variant.
Genome position (GRCh38, 1-based): chr15:72,046,414, T>G on the plus strand (A>C on the coding strand, the complement: MYO9A is on the minus strand). VCF-style: chr15-72046414-T-G. GRCh37 (hg19) VCF-style: chr15-72338755-T-G.
Identifiers: ClinVar variation 778555 (VCV000778555.6), dbSNP rs148946252, ClinGen allele CA7642497.

ClinVar aggregate classification (germline): Benign. Review status: criteria provided, multiple submitters, no conflicts (2 of 4 stars). 3 submissions from 3 submitters: Benign (3). Last evaluated 2026-04-05.

Conditions:
MYO9A-related disorder. Also called: MYO9A-related condition.

Allele frequency attached by ClinVar (database versions not stated): gnomAD exomes 0.00183; ExAC 0.00212; gnomAD 0.00601 and 0.00637; ESP Exome Variant Server 0.00647; TOPMed 0.00666; 1000 Genomes Project 30x 0.00671; 1000 Genomes Project 0.00679.
gnomAD v4.1: 2,166 of 1,614,226 alleles (0.13%); highest among the groups gnomAD compares: African/African-American, 2%; 27 homozygotes.

Submissions (3):

PreventionGenetics, part of Exact Sciences
Classification: Benign for MYO9A-related condition. Last evaluated: 2026-04-05. Review status: criteria provided, single submitter. Criteria: ACMG Guidelines, 2015. Collection method: clinical testing. Allele origin: germline.
Comment: This variant is classified as benign based on ACMG/AMP sequence variant interpretation guidelines (Richards et al. 2015 PMID: 25741868, with internal and published modifications).

Labcorp Genetics (formerly Invitae), Labcorp
Classification: Benign. Last evaluated: 2019-12-31. Review status: criteria provided, single submitter. Criteria: Invitae Variant Classification Sherloc (09022015). Collection method: clinical testing. Allele origin: germline.

Breakthrough Genomics
Classification: Benign. Review status: criteria provided, single submitter. Criteria: ACMG Guidelines, 2015. Collection method: not provided. Allele origin: germline. Inheritance: Autosomal recessive inheritance. Affected: yes.